The following is an entry in ClinVar:

NM_004525.3(LRP2):c.11099A>G (p.Asn3700Ser)

Gene: LRP2 (LDL receptor related protein 2; minus strand). Cytogenetic location: 2q31.1.
Variant type: single nucleotide variant.
Coding change: c.11099A>G on transcript NM_004525.3 (MANE Select); coding-DNA position 11099, A replaced by G.
Protein change: p.Asn3700Ser; replaces asparagine 3700 with serine.
Molecular consequence: missense variant.
Genome position (GRCh38, 1-based): chr2:169,173,140, T>C on the plus strand (A>G on the coding strand, the complement: LRP2 is on the minus strand). VCF-style: chr2-169173140-T-C. GRCh37 (hg19) VCF-style: chr2-170029650-T-C.
Other names: short protein forms N3700S.
Identifiers: ClinVar variation 1403530 (VCV001403530.5), dbSNP rs1393906845, ClinGen allele CA349144014.
Genomic context (GRCh38, chr2:169,173,140, plus strand): 5'-CTGTGGCCCCTCCTACCACAGCCTTGCTCATCACTGTTGTCCCTGCAGTCATCTACACCA[T>C]TGCACACGGCCCACTTTGGGATGCAGCGGTAATTTGTTTTGCAGCTGAATTCTGTGAAGT-3'
Protein context (NP_004516.2, residues 3690-3710): YRCIPKWAVC[Asn3700Ser]GVDDCRDNSD

ClinVar aggregate classification (germline): Uncertain significance (1 of 4 stars; one submission).

Allele frequency attached by ClinVar (database versions not stated): gnomAD exomes 0.00001; TOPMed 0.00001.
gnomAD v4.1: 14 of 1,614,166 alleles (0.00087%); highest among the groups gnomAD compares: Non-Finnish European, 0.0012%; no homozygotes.

Submission:

Labcorp Genetics (formerly Invitae), Labcorp
Classification: Uncertain significance. Last evaluated: 2021-08-14. Review status: criteria provided, single submitter. Criteria: Invitae Variant Classification Sherloc (09022015). Collection method: clinical testing. Allele origin: germline.
Comment: This sequence change replaces asparagine with serine at codon 3700 of the LRP2 protein (p.Asn3700Ser). The asparagine residue is highly conserved and there is a small physicochemical difference between asparagine and serine. This variant is not present in population databases (ExAC no frequency). This variant has not been reported in the literature in individuals affected with LRP2-related conditions. Advanced modeling of protein sequence and biophysical properties (such as structural, functional, and spatial information, amino acid conservation, physicochemical variation, residue mobility, and thermodynamic stability) performed at Invitae indicates that this missense variant is expected to disrupt LRP2 protein function. Algorithms developed to predict the effect of sequence changes on RNA splicing suggest that this variant may create or strengthen a splice site. In summary, the available evidence is currently insufficient to determine the role of this variant in disease. Therefore, it has been classified as a Variant of Uncertain Significance.